The following is an entry in ClinVar:

ClinVar aggregate classification (germline): Uncertain significance (1 of 4 stars; one submission).

Conditions:
Myoclonic dystonia 11 (DYT11). Also called: Myoclonic dystonia; Dystonia 11; Dystonia, alcohol responsive; Hereditary essential myoclonus; SGCE Myoclonus-Dystonia; Myoclonus-Dystonia. Identifiers: Orphanet 36899, MedGen C1834570, MONDO:0008044, OMIM 159900.

Submission:

Labcorp Genetics (formerly Invitae), Labcorp
Classification: Uncertain significance for Myoclonic dystonia 11. Last evaluated: 2022-08-19. Review status: criteria provided, single submitter. Criteria: Invitae Variant Classification Sherloc (09022015). Collection method: clinical testing. Allele origin: germline.
Comment: This sequence change replaces asparagine, which is neutral and polar, with serine, which is neutral and polar, at codon 145 of the SGCE protein (p.Asn145Ser). In summary, the available evidence is currently insufficient to determine the role of this variant in disease. Therefore, it has been classified as a Variant of Uncertain Significance. Algorithms developed to predict the effect of missense changes on protein structure and function are either unavailable or do not agree on the potential impact of this missense change (SIFT: "Deleterious"; PolyPhen-2: "Benign"; Align-GVGD: "Class C0"). This variant has not been reported in the literature in individuals affected with SGCE-related conditions. This variant is not present in population databases (gnomAD no frequency).

NM_003919.3(SGCE):c.434A>G (p.Asn145Ser)

Genes: CASD1 (CAS1 domain sialic acid O acetyltransferase 1; plus strand), SGCE (sarcoglycan epsilon; minus strand). Cytogenetic location: 7q21.3.
Variant type: single nucleotide variant.
Coding change: c.434A>G on transcript NM_003919.3 (MANE Select); coding-DNA position 434, A replaced by G.
Protein change: p.Asn145Ser; replaces asparagine 145 with serine.
Molecular consequence: missense variant.
Genome position (GRCh38, 1-based): chr7:94,623,354, T>C on the plus strand (A>G on the coding strand, the complement: SGCE is on the minus strand). VCF-style: chr7-94623354-T-C. GRCh37 (hg19) VCF-style: chr7-94252666-T-C.
Other names: c.434A>G, p.Asn145Ser (NM_001099400.2, NM_001099401.2, NM_001346717.2); c.311A>G, p.Asn104Ser (NM_001301139.2, NM_001362809.2); c.542A>G, p.Asn181Ser (NM_001346713.2, NM_001346715.2); c.347A>G, p.Asn116Ser (NM_001346719.2, NM_001362807.2); c.161A>G, p.Asn54Ser (NM_001346720.2, NM_001362808.2); short protein forms N104S, N116S, N181S, N145S, N54S.
Identifiers: ClinVar variation 2140144 (VCV002140144.4), dbSNP rs2485134684, ClinGen allele CA368236726.
Genomic context (GRCh38, chr7:94,623,354, plus strand): 5'-TAAGAAATGATCAACATATTTTCATACCTACCTTCTGCAGACATTATATTAATTATCAAA[T>C]TATGCCTTGCAGTCTCAAAGGTGCGCCTGTTGTAGGCAGTTATCTATTATAAAAGGAAAA-3'
Protein context (NP_003910.1, residues 135-155): NRRTFETARH[Asn145Ser]LIINIMSAED